The following is an entry in ClinVar:

NM_145290.4(ADGRA3):c.705C>T (p.Cys235=)

Gene: ADGRA3 (adhesion G protein-coupled receptor A3; minus strand). Cytogenetic location: 4p15.2.
Variant type: single nucleotide variant.
Coding change: c.705C>T on transcript NM_145290.4 (MANE Select); coding-DNA position 705, C replaced by T.
Protein change: p.Cys235=; no amino-acid change (cysteine 235 retained).
Molecular consequence: synonymous variant.
Genome position (GRCh38, 1-based): chr4:22,444,974, G>A on the plus strand (C>T on the coding strand, the complement: ADGRA3 is on the minus strand). VCF-style: chr4-22444974-G-A. GRCh37 (hg19) VCF-style: chr4-22446597-G-A.
Identifiers: ClinVar variation 1475204 (VCV001475204.8), dbSNP rs769411944, ClinGen allele CA2874175.

ClinVar aggregate classification (germline): Uncertain significance (1 of 4 stars; one submission).

Allele frequency attached by ClinVar (database versions not stated): ExAC 0.00001; gnomAD 0.00002; gnomAD exomes 0.00002 and 0.00003; TOPMed 0.00002.
gnomAD v4.1: 29 of 1,612,454 alleles (0.0018%); highest among the groups gnomAD compares: Admixed American, 0.017%; no homozygotes.

Submission:

Labcorp Genetics (formerly Invitae), Labcorp
Classification: Uncertain significance. Last evaluated: 2022-11-02. Review status: criteria provided, single submitter. Criteria: Invitae Variant Classification Sherloc (09022015). Collection method: clinical testing. Allele origin: germline.
Comment: This sequence change affects codon 235 of the ADGRA3 mRNA. It is a 'silent' change, meaning that it does not change the encoded amino acid sequence of the ADGRA3 protein. It affects a nucleotide within the consensus splice site. In summary, the available evidence is currently insufficient to determine the role of this variant in disease. Therefore, it has been classified as a Variant of Uncertain Significance. Algorithms developed to predict the effect of sequence changes on RNA splicing suggest that this variant is not likely to affect RNA splicing. ClinVar contains an entry for this variant (Variation ID: 1475204). This variant has not been reported in the literature in individuals affected with ADGRA3-related conditions. This variant is present in population databases (rs769411944, gnomAD 0.02%).